The following is an entry in ClinVar:

ClinVar aggregate classification (germline): Uncertain significance. Review status: criteria provided, multiple submitters, no conflicts (2 of 4 stars). 2 submissions from 2 submitters: Uncertain significance (2). Last evaluated 2024-06-18.

Conditions:
Focal segmental glomerulosclerosis 5 (FSGS5). Identifiers: Orphanet 656, MedGen C2750475, MONDO:0013191, OMIM 613237.
Charcot-Marie-Tooth disease dominant intermediate E. Also called: CHARCOT-MARIE-TOOTH NEUROPATHY WITH FOCAL SEGMENTAL GLOMERULONEPHRITIS. Identifiers: Orphanet 93114, MedGen C4302667, MONDO:0013758, OMIM 614455.

Allele frequency attached by ClinVar (database versions not stated): gnomAD exomes below 0.00001; TOPMed below 0.00001; gnomAD 0.00001.

Submissions (2):

Fulgent Genetics
Classification: Uncertain significance for Focal segmental glomerulosclerosis 5; Charcot-Marie-Tooth disease dominant intermediate E. Last evaluated: 2024-06-18. Review status: criteria provided, single submitter. Criteria: ACMG Guidelines, 2015. Collection method: clinical testing. Allele origin: germline.

Labcorp Genetics (formerly Invitae), Labcorp
Classification: Uncertain significance for Charcot-Marie-Tooth disease dominant intermediate E; Focal segmental glomerulosclerosis 5. Last evaluated: 2024-03-24. Review status: criteria provided, single submitter. Criteria: Invitae Variant Classification Sherloc (09022015). Collection method: clinical testing. Allele origin: germline.
Comment: This sequence change replaces arginine, which is basic and polar, with cysteine, which is neutral and slightly polar, at codon 212 of the INF2 protein (p.Arg212Cys). This variant is present in population databases (rs748481552, gnomAD 0.003%). This variant has not been reported in the literature in individuals affected with INF2-related conditions. ClinVar contains an entry for this variant (Variation ID: 642298). Advanced modeling of protein sequence and biophysical properties (such as structural, functional, and spatial information, amino acid conservation, physicochemical variation, residue mobility, and thermodynamic stability) has been performed at Invitae for this missense variant, however the output from this modeling did not meet the statistical confidence thresholds required to predict the impact of this variant on INF2 protein function. In summary, the available evidence is currently insufficient to determine the role of this variant in disease. Therefore, it has been classified as a Variant of Uncertain Significance.

NM_022489.4(INF2):c.634C>T (p.Arg212Cys)

Gene: INF2 (inverted formin 2; plus strand). Cytogenetic location: 14q32.33.
Variant type: single nucleotide variant.
Coding change: c.634C>T on transcript NM_022489.4 (MANE Select); coding-DNA position 634, C replaced by T.
Protein change: p.Arg212Cys; replaces arginine 212 with cysteine.
Molecular consequence: missense variant.
Genome position (GRCh38, 1-based): chr14:104,703,421, C>T. VCF-style: chr14-104703421-C-T. GRCh37 (hg19) VCF-style: chr14-105169758-C-T.
Other names: c.634C>T, p.Arg212Cys (NM_001031714.4, NM_032714.3); short protein forms R212C.
Identifiers: ClinVar variation 642298 (VCV000642298.11), dbSNP rs748481552, ClinGen allele CA267318951.